The following is an entry in ClinVar:

ClinVar aggregate classification (germline): Uncertain significance (1 of 4 stars; one submission).

Conditions:
Primary ciliary dyskinesia. Also called: Ciliary dyskinesia. Identifiers: Orphanet 244, MedGen C0008780, MONDO:0016575, HP:0012265.

Allele frequency attached by ClinVar (database versions not stated): gnomAD 0.00001; gnomAD exomes 0.00001; ExAC 0.00002.
gnomAD v4.1: 6 of 1,613,982 alleles (0.00037%); highest among the groups gnomAD compares: Non-Finnish European, 0.00051%; no homozygotes.

Submission:

Labcorp Genetics (formerly Invitae), Labcorp
Classification: Uncertain significance for Primary ciliary dyskinesia. Last evaluated: 2022-04-22. Review status: criteria provided, single submitter. Criteria: Invitae Variant Classification Sherloc (09022015). Collection method: clinical testing. Allele origin: germline.
Comment: This sequence change replaces methionine, which is neutral and non-polar, with threonine, which is neutral and polar, at codon 208 of the CCDC114 protein (p.Met208Thr). This variant is present in population databases (rs760357218, gnomAD 0.002%). This variant has not been reported in the literature in individuals affected with CCDC114-related conditions. In summary, the available evidence is currently insufficient to determine the role of this variant in disease. Therefore, it has been classified as a Variant of Uncertain Significance. Algorithms developed to predict the effect of missense changes on protein structure and function output the following: SIFT: "Tolerated"; PolyPhen-2: "Benign"; Align-GVGD: "Class C0". The threonine amino acid residue is found in multiple mammalian species, which suggests that this missense change does not adversely affect protein function.

NM_001364171.2(ODAD1):c.734T>C (p.Met245Thr)

Gene: ODAD1 (outer dynein arm docking complex subunit 1; minus strand). Cytogenetic location: 19q13.33.
Variant type: single nucleotide variant.
Coding change: c.734T>C on transcript NM_001364171.2 (MANE Select); coding-DNA position 734, T replaced by C.
Protein change: p.Met245Thr; replaces methionine 245 with threonine.
Molecular consequence: missense variant.
Genome position (GRCh38, 1-based): chr19:48,304,072, A>G on the plus strand (T>C on the coding strand, the complement: ODAD1 is on the minus strand). VCF-style: chr19-48304072-A-G. GRCh37 (hg19) VCF-style: chr19-48807329-A-G.
Other names: c.623T>C, p.Met208Thr (NM_144577.4); short protein forms M208T, M245T.
Identifiers: ClinVar variation 2414055 (VCV002414055.13), dbSNP rs760357218, ClinGen allele CA9548971.